The following is an entry in ClinVar:

NM_001243133.2(NLRP3):c.2893T>A (p.Ser965Thr)

Gene: NLRP3 (NLR family pyrin domain containing 3; plus strand). Cytogenetic location: 1q44.
Variant type: single nucleotide variant.
Coding change: c.2893T>A on transcript NM_001243133.2 (MANE Select); coding-DNA position 2893, T replaced by A.
Protein change: p.Ser965Thr; replaces serine 965 with threonine.
Molecular consequence: missense variant.
Genome position (GRCh38, 1-based): chr1:247,444,709, T>A. VCF-style: chr1-247444709-T-A. GRCh37 (hg19) VCF-style: chr1-247608011-T-A.
Other names: c.2893T>A, p.Ser965Thr (NM_001079821.3); c.2722T>A, p.Ser908Thr (NM_001127461.3, NM_001127462.3); c.2899T>A, p.Ser967Thr (NM_004895.5); c.2551T>A, p.Ser851Thr (NM_183395.3); short protein forms S967T, S965T, S851T, S908T.
Identifiers: ClinVar variation 2831570 (VCV002831570.4), dbSNP rs2527478172, ClinGen allele CA345565603.

ClinVar aggregate classification (germline): Uncertain significance. Review status: criteria provided, multiple submitters, no conflicts (2 of 4 stars). 2 submissions from 2 submitters: Uncertain significance (2). Last evaluated 2025-06-07.

Conditions:
Inborn genetic diseases. Identifiers: MedGen C0950123, MeSH D030342.
Cryopyrin associated periodic syndrome (CAPS). Identifiers: Orphanet 208650, MedGen C2316212, MONDO:0016168.

Submissions (2):

Ambry Genetics
Classification: Uncertain significance for Inborn genetic diseases. Last evaluated: 2025-06-07. Review status: criteria provided, single submitter. Criteria: Ambry Variant Classification Scheme 2023. Collection method: clinical testing. Allele origin: germline.

Labcorp Genetics (formerly Invitae), Labcorp
Classification: Uncertain significance for Cryopyrin associated periodic syndrome. Last evaluated: 2024-09-01. Review status: criteria provided, single submitter. Criteria: Invitae Variant Classification Sherloc (09022015). Collection method: clinical testing. Allele origin: germline.
Comment: This sequence change replaces serine, which is neutral and polar, with threonine, which is neutral and polar, at codon 967 of the NLRP3 protein (p.Ser967Thr). This variant is not present in population databases (gnomAD no frequency). This variant has not been reported in the literature in individuals affected with NLRP3-related conditions. Invitae Evidence Modeling of protein sequence and biophysical properties (such as structural, functional, and spatial information, amino acid conservation, physicochemical variation, residue mobility, and thermodynamic stability) indicates that this missense variant is not expected to disrupt NLRP3 protein function with a negative predictive value of 95%. In summary, the available evidence is currently insufficient to determine the role of this variant in disease. Therefore, it has been classified as a Variant of Uncertain Significance.